The following is an entry in ClinVar:

ClinVar aggregate classification (germline): Uncertain significance (1 of 4 stars; one submission).

Submission:

Ambry Genetics
Classification: Uncertain significance. Last evaluated: 2024-10-19. Review status: criteria provided, single submitter. Criteria: Ambry Variant Classification Scheme 2023. Collection method: clinical testing. Allele origin: germline.
Comment: The p.A585G variant (also known as c.1754C>G), located in coding exon 12 of the RINT1 gene, results from a C to G substitution at nucleotide position 1754. The alanine at codon 585 is replaced by glycine, an amino acid with similar properties. This amino acid position is conserved. In addition, this alteration is predicted to be tolerated by in silico analysis. Based on the available evidence, the clinical significance of this variant remains unclear.

NM_021930.6(RINT1):c.1754C>G (p.Ala585Gly)

Gene: RINT1 (RAD50 interactor 1; plus strand). Cytogenetic location: 7q22.3.
Variant type: single nucleotide variant.
Coding change: c.1754C>G on transcript NM_021930.6 (MANE Select); coding-DNA position 1754, C replaced by G.
Protein change: p.Ala585Gly; replaces alanine 585 with glycine.
Molecular consequence: missense variant. On other transcripts: non-coding transcript variant (1).
Genome position (GRCh38, 1-based): chr7:105,563,815, C>G. VCF-style: chr7-105563815-C-G. GRCh37 (hg19) VCF-style: chr7-105204262-C-G.
Other names: c.1520C>G, p.Ala507Gly (NM_001346599.2); c.731C>G, p.Ala244Gly (NM_001346600.2, NM_001346603.2); c.830C>G, p.Ala277Gly (NM_001346601.2); short protein forms A277G, A244G, A507G, A585G.
Identifiers: ClinVar variation 3433560 (VCV003433560.1).